The following is an entry in ClinVar:

ClinVar aggregate classification (germline): Uncertain significance. Review status: criteria provided, multiple submitters, no conflicts (2 of 4 stars). 2 submissions from 2 submitters: Uncertain significance (2). Last evaluated 2022-05-18.

Conditions:
Developmental and epileptic encephalopathy, 42 (DEE42A). Also called: Epileptic encephalopathy, early infantile, 42; DEVELOPMENTAL AND EPILEPTIC ENCEPHALOPATHY 42A; EPILEPTIC ENCEPHALOPATHY, EARLY INFANTILE, 42A. Identifiers: MedGen C4310716, MONDO:0014917, OMIM 617106.
Episodic ataxia type 2 (EA2). Also called: EPISODIC ATAXIA, NYSTAGMUS-ASSOCIATED; ACETAZOLAMIDE-RESPONSIVE HEREDITARY PAROXYSMAL CEREBELLAR ATAXIA; ATAXIA, EPISODIC, WITH NYSTAGMUS; ATAXIA, FAMILIAL PAROXYSMAL; CEREBELLAR ATAXIA, PAROXYSMAL, ACETAZOLAMIDE-RESPONSIVE; CEREBELLOPATHY, HEREDITARY PAROXYSMAL. Identifiers: Orphanet 97, MedGen C1720416, MONDO:0007163, OMIM 108500.
Migraine, familial hemiplegic, 1. Also called: MIGRAINE, FAMILIAL HEMIPLEGIC 1, WITH PROGRESSIVE CEREBELLAR ATAXIA. Identifiers: Orphanet 569, MedGen C1832884, MONDO:0020756, OMIM 141500, MONDO:0007714.
Spinocerebellar ataxia type 6 (SCA6). Identifiers: Orphanet 98758, MedGen C0752124, MONDO:0008457, OMIM 183086.

Allele frequency attached by ClinVar (database versions not stated): gnomAD exomes below 0.00001; TOPMed below 0.00001.
gnomAD v4.1: 2 of 1,520,884 alleles (0.00013%); highest among the groups gnomAD compares: Non-Finnish European, 0.00018%; no homozygotes.

Submissions (2):

Fulgent Genetics
Classification: Uncertain significance for Episodic ataxia type 2; Migraine, familial hemiplegic, 1; Spinocerebellar ataxia type 6; Developmental and epileptic encephalopathy, 42. Last evaluated: 2022-05-18. Review status: criteria provided, single submitter. Criteria: ACMG Guidelines, 2015. Collection method: clinical testing. Allele origin: unknown.

Labcorp Genetics (formerly Invitae), Labcorp
Classification: Uncertain significance for Developmental and epileptic encephalopathy, 42; Episodic ataxia type 2. Last evaluated: 2021-12-02. Review status: criteria provided, single submitter. Criteria: Invitae Variant Classification Sherloc (09022015). Collection method: clinical testing. Allele origin: germline.
Comment: This sequence change replaces glycine, which is neutral and non-polar, with glutamic acid, which is acidic and polar, at codon 999 of the CACNA1A protein (p.Gly999Glu). Advanced modeling of protein sequence and biophysical properties (such as structural, functional, and spatial information, amino acid conservation, physicochemical variation, residue mobility, and thermodynamic stability) performed at Invitae indicates that this missense variant is not expected to disrupt CACNA1A protein function. This variant has not been reported in the literature in individuals affected with CACNA1A-related conditions. This variant is not present in population databases (gnomAD no frequency). In summary, the available evidence is currently insufficient to determine the role of this variant in disease. Therefore, it has been classified as a Variant of Uncertain Significance.

NM_001127222.2(CACNA1A):c.2993G>A (p.Gly998Glu)

Gene: CACNA1A (calcium voltage-gated channel subunit alpha1 A; minus strand). Cytogenetic location: 19p13.13.
Variant type: single nucleotide variant.
Coding change: c.2993G>A on transcript NM_001127222.2 (MANE Select); coding-DNA position 2993, G replaced by A.
Protein change: p.Gly998Glu; replaces glycine 998 with glutamic acid.
Molecular consequence: missense variant.
Genome position (GRCh38, 1-based): chr19:13,298,640, C>T on the plus strand (G>A on the coding strand, the complement: CACNA1A is on the minus strand). VCF-style: chr19-13298640-C-T. GRCh37 (hg19) VCF-style: chr19-13409454-C-T.
Other names: c.3005G>A, p.Gly1002Glu (NM_000068.4, NM_023035.3); c.2996G>A, p.Gly999Glu (NM_001127221.2, NM_001174080.2); short protein forms G998E, G999E, G1002E.
Identifiers: ClinVar variation 1391549 (VCV001391549.7), dbSNP rs2057721231, ClinGen allele CA404342295.